The following is an entry in ClinVar:

ClinVar aggregate classification (germline): Conflicting classifications of pathogenicity. Review status: criteria provided, conflicting classifications (1 of 4 stars). 4 submissions from 4 submitters: Uncertain significance (2); Benign (1); Likely benign (1). Last evaluated 2025-09-16.

Conditions:
Bethlem myopathy 1A. Also called: MYOPATHY, BENIGN CONGENITAL, WITH CONTRACTURES; Bethlem myopathy 1; Bethlem Muscular Dystrophy. Identifiers: Orphanet 610, MedGen CN029274, MONDO:0024530, OMIM 158810.
Collagen 6-related myopathy. Identifiers: MedGen CN117976, MONDO:0100225.

Allele frequency attached by ClinVar (database versions not stated): gnomAD 0.00006; TOPMed 0.00006; ExAC 0.00008; ESP Exome Variant Server 0.00015.
gnomAD v4.1: 308 of 1,608,244 alleles (0.019%); highest among the groups gnomAD compares: East Asian, 0.027%; no homozygotes.

Submissions (4):

Labcorp Genetics (formerly Invitae), Labcorp
Classification: Likely benign for Bethlem myopathy 1A. Last evaluated: 2025-09-16. Review status: criteria provided, single submitter. Criteria: Invitae Variant Classification Sherloc (09022015). Collection method: clinical testing. Allele origin: germline.

Department of Pathology and Laboratory Medicine, Sinai Health System
Classification: Uncertain significance for collagen 6-related myopathy. Last evaluated: 2021-08-25. Review status: criteria provided, single submitter. Criteria: ACMG Guidelines, 2015. Collection method: research. Allele origin: germline.

GeneDx
Classification: Uncertain significance. Last evaluated: 2020-03-09. Review status: criteria provided, single submitter. Criteria: GeneDx Variant Classification Process June 2021. Collection method: clinical testing. Allele origin: germline. Affected: yes.
Comment: In silico analysis supports that this missense variant does not alter protein structure/function; Has not been previously published as pathogenic or benign to our knowledge

Illumina Laboratory Services, Illumina
Classification: Benign for Collagen VI-related myopathy. Last evaluated: 2018-01-13. Review status: criteria provided, single submitter. Criteria: ICSL Variant Classification Criteria 13 December 2019. Collection method: clinical testing. Allele origin: germline.
Comment: This variant was observed in the ICSL laboratory as part of a predisposition screen in an ostensibly healthy population. It had not been previously curated by ICSL or reported in the Human Gene Mutation Database (HGMD: prior to June 1st, 2018), and was therefore a candidate for classification through an automated scoring system. Utilizing variant allele frequency, disease prevalence and penetrance estimates, and inheritance mode, an automated score was calculated to assess if this variant is too frequent to cause the disease. Based on the score and internal cut-off values, a variant classified as benign is not then subjected to further curation. The score for this variant resulted in a classification of benign for this disease.

NM_001849.4(COL6A2):c.2917G>A (p.Val973Met)

Gene: COL6A2 (collagen type VI alpha 2 chain; plus strand). Cytogenetic location: 21q22.3.
Variant type: single nucleotide variant.
Coding change: c.2917G>A on transcript NM_001849.4 (MANE Select); coding-DNA position 2917, G replaced by A.
Protein change: p.Val973Met; replaces valine 973 with methionine.
Molecular consequence: missense variant.
Genome position (GRCh38, 1-based): chr21:46,132,409, G>A. VCF-style: chr21-46132409-G-A. GRCh37 (hg19) VCF-style: chr21-47552323-G-A.
Other names: short protein forms V973M.
Identifiers: ClinVar variation 340385 (VCV000340385.17), dbSNP rs145959270, ClinGen allele CA10073095.
Genomic context (GRCh38, chr21:46,132,409, plus strand): 5'-GGCAACGACAGTCTGCACGAGTCGGCGCACTCCATGCGCAAGCAGAACGTGGTACCCACC[G>A]TGCTGGCCTTGGGCAGCGACGTGGACATGGACGTGCTCACCACGCTCAGCCTGGGTGACC-3'
Protein context (NP_001840.3, residues 963-983): SMRKQNVVPT[Val973Met]LALGSDVDMD